The following is an entry in ClinVar:

NM_031935.3(HMCN1):c.15913C>T (p.Arg5305Trp)

Gene: HMCN1 (hemicentin 1; plus strand). Cytogenetic location: 1q31.1.
Variant type: single nucleotide variant.
Coding change: c.15913C>T on transcript NM_031935.3 (MANE Select); coding-DNA position 15913, C replaced by T.
Protein change: p.Arg5305Trp; replaces arginine 5305 with tryptophan.
Molecular consequence: missense variant.
Genome position (GRCh38, 1-based): chr1:186,174,612, C>T. VCF-style: chr1-186174612-C-T. GRCh37 (hg19) VCF-style: chr1-186143744-C-T.
Other names: short protein forms R5305W.
Identifiers: ClinVar variation 2196515 (VCV002196515.4), dbSNP rs780198859, ClinGen allele CA1295420.

ClinVar aggregate classification (germline): Uncertain significance (1 of 4 stars; one submission).

Allele frequency attached by ClinVar (database versions not stated): TOPMed below 0.00001; ExAC 0.00001; gnomAD exomes 0.00001.
gnomAD v4.1: 19 of 1,613,932 alleles (0.0012%); highest among the groups gnomAD compares: Admixed American, 0.0017%; no homozygotes.

Submission:

Labcorp Genetics (formerly Invitae), Labcorp
Classification: Uncertain significance. Last evaluated: 2022-01-28. Review status: criteria provided, single submitter. Criteria: Invitae Variant Classification Sherloc (09022015). Collection method: clinical testing. Allele origin: germline.
Comment: This variant has not been reported in the literature in individuals affected with HMCN1-related conditions. In summary, the available evidence is currently insufficient to determine the role of this variant in disease. Therefore, it has been classified as a Variant of Uncertain Significance. Algorithms developed to predict the effect of missense changes on protein structure and function are either unavailable or do not agree on the potential impact of this missense change (SIFT: "Deleterious"; PolyPhen-2: "Probably Damaging"; Align-GVGD: "Class C0"). This variant is present in population databases (rs780198859, gnomAD 0.003%). This sequence change replaces arginine, which is basic and polar, with tryptophan, which is neutral and slightly polar, at codon 5305 of the HMCN1 protein (p.Arg5305Trp).